The following is an entry in ClinVar:

NM_012123.4(MTO1):c.1637+12dup

Gene: MTO1 (mitochondrial tRNA translation optimization 1; plus strand). Cytogenetic location: 6q13.
Variant type: Duplication.
Coding change: c.1637+12dup on transcript NM_012123.4 (MANE Select); 12 bases into the intron after coding-DNA position 1637, one base duplicated (T; older notation c.1637+12dupT).
Molecular consequence: intron variant.
Genome position (GRCh38, 1-based): chr6:73,482,632, T duplicated; the last of 5 consecutive T bases (chr6:73,482,628-73,482,632); duplicating any one gives the same sequence. VCF-style (leftmost placement, unchanged base first): chr6-73482627-A-AT. GRCh37 (hg19) VCF-style: chr6-74192350-A-AT.
Other names: c.1712+12dup (NM_133645.3); c.1757+12dup (NM_001123226.2); c.1637+12dupT (NM_012123.3).
Identifiers: ClinVar variation 513813 (VCV000513813.1), dbSNP rs1554149346, ClinGen allele CA658796786.

ClinVar aggregate classification (germline): Likely benign (1 of 4 stars; one submission).

Submission:

GeneDx
Classification: Likely benign. Last evaluated: 2017-12-21. Review status: criteria provided, single submitter. Criteria: GeneDx Variant Classification (06012015). Collection method: clinical testing. Allele origin: germline. Affected: yes.
Comment: This variant is considered likely benign or benign based on one or more of the following criteria: it is a conservative change, it occurs at a poorly conserved position in the protein, it is predicted to be benign by multiple in silico algorithms, and/or has population frequency not consistent with disease.